The following is an entry in ClinVar:

ClinVar aggregate classification (germline): Conflicting classifications of pathogenicity. Review status: criteria provided, conflicting classifications (1 of 4 stars). 6 submissions from 6 submitters: Uncertain significance (4); Likely benign (2). Last evaluated 2025-11-28.

Conditions:
Dystonia 27 (DYT27). Identifiers: Orphanet 464440, MedGen C4225336, MONDO:0014627, OMIM 616411.
Bethlem myopathy 1C (BTHLM1C). Identifiers: MedGen C5935581, MONDO:0958234, OMIM 620726.
Ullrich congenital muscular dystrophy 1C (UCMD1C). Identifiers: MedGen C5935583, MONDO:0958236, OMIM 620728.
Bethlem myopathy 1A. Also called: MYOPATHY, BENIGN CONGENITAL, WITH CONTRACTURES; Bethlem myopathy 1; Bethlem Muscular Dystrophy. Identifiers: Orphanet 610, MedGen CN029274, MONDO:0024530, OMIM 158810.
Collagen 6-related myopathy. Identifiers: MedGen CN117976, MONDO:0100225.

Allele frequency attached by ClinVar (database versions not stated): ESP Exome Variant Server 0.00008; gnomAD exomes 0.00008 and 0.00014; TOPMed 0.00012; gnomAD 0.00015 and 0.00016; ExAC 0.00016.
gnomAD v4.1: 153 of 1,613,746 alleles (0.0095%); highest among the groups gnomAD compares: Middle Eastern, 0.033%; no homozygotes.

Submissions (6):

Labcorp Genetics (formerly Invitae), Labcorp
Classification: Likely benign for Bethlem myopathy 1A. Last evaluated: 2025-11-28. Review status: criteria provided, single submitter. Criteria: Invitae Variant Classification Sherloc (09022015). Collection method: clinical testing. Allele origin: germline.

Revvity Omics, Revvity
Classification: Uncertain significance. Last evaluated: 2025-02-05. Review status: criteria provided, single submitter. Criteria: ACMG Guidelines, 2015. Collection method: clinical testing. Allele origin: germline.

Fulgent Genetics
Classification: Uncertain significance for Dystonia 27; Bethlem myopathy 1C; Ullrich congenital muscular dystrophy 1C. Last evaluated: 2024-04-02. Review status: criteria provided, single submitter. Criteria: ACMG Guidelines, 2015. Collection method: clinical testing. Allele origin: germline.

GeneDx
Classification: Uncertain significance. Last evaluated: 2023-06-08. Review status: criteria provided, single submitter. Criteria: GeneDx Variant Classification Process June 2021. Collection method: clinical testing. Allele origin: germline. Affected: yes.
Comment: Reported in a patient with cerebral palsy (Pingel et al., 2019); In silico analysis supports that this missense variant has a deleterious effect on protein structure/function; This variant is associated with the following publications: (PMID: 30467950)

Illumina Laboratory Services, Illumina
Classification: Likely benign for Collagen VI-related myopathy. Last evaluated: 2018-01-13. Review status: criteria provided, single submitter. Criteria: ICSL Variant Classification Criteria 13 December 2019. Collection method: clinical testing. Allele origin: germline.
Comment: This variant was observed in the ICSL laboratory as part of a predisposition screen in an ostensibly healthy population. It had not been previously curated by ICSL or reported in the Human Gene Mutation Database (HGMD: prior to June 1st, 2018), and was therefore a candidate for classification through an automated scoring system. Utilizing variant allele frequency, disease prevalence and penetrance estimates, and inheritance mode, an automated score was calculated to assess if this variant is too frequent to cause the disease. Based on the score and internal cut-off values, a variant classified as likely benign is not then subjected to further curation. The score for this variant resulted in a classification of likely benign for this disease.

Eurofins Ntd Llc (ga)
Classification: Uncertain significance. Last evaluated: 2017-12-29. Review status: criteria provided, single submitter. Criteria: EGL Classification Definitions 2015. Collection method: clinical testing. Allele origin: germline. Observed: 1 variant allele, 1 heterozygote.

NM_004369.4(COL6A3):c.3190C>T (p.Arg1064Trp)

Gene: COL6A3 (collagen type VI alpha 3 chain; minus strand). Cytogenetic location: 2q37.3.
Variant type: single nucleotide variant.
Coding change: c.3190C>T on transcript NM_004369.4 (MANE Select); coding-DNA position 3190, C replaced by T.
Protein change: p.Arg1064Trp; replaces arginine 1064 with tryptophan.
Molecular consequence: missense variant.
Genome position (GRCh38, 1-based): chr2:237,374,901, G>A on the plus strand (C>T on the coding strand, the complement: COL6A3 is on the minus strand). VCF-style: chr2-237374901-G-A. GRCh37 (hg19) VCF-style: chr2-238283544-G-A.
Other names: c.1969C>T, p.Arg657Trp (NM_057164.5); c.2572C>T, p.Arg858Trp (NM_057165.5, NM_057167.4); c.1369C>T, p.Arg457Trp (NM_057166.5); short protein forms R1064W, R657W, R858W, R457W.
Identifiers: ClinVar variation 335132 (VCV000335132.22), dbSNP rs369810455, ClinGen allele CA2189222.